The following is an entry in ClinVar:

ClinVar aggregate classification (germline): Likely benign. Review status: criteria provided, multiple submitters, no conflicts (2 of 4 stars). 2 submissions from 2 submitters: Likely benign (2). Last evaluated 2026-06-01.

Allele frequency attached by ClinVar (database versions not stated): 1000 Genomes Project 30x 0.00047; ExAC 0.00049; gnomAD exomes 0.00050 and 0.00072; TOPMed 0.00050; gnomAD 0.00056 and 0.00058; 1000 Genomes Project 0.00060; ESP Exome Variant Server 0.00098.
gnomAD v4.1: 1,143 of 1,613,546 alleles (0.071%); highest among the groups gnomAD compares: Non-Finnish European, 0.086%; 2 homozygotes.

Submissions (2):

CeGaT Center for Human Genetics Tuebingen
Classification: Likely benign. Last evaluated: 2026-06-01. Review status: criteria provided, single submitter. Criteria: CeGaT Center For Human Genetics Tuebingen Variant Classification Criteria Version 2. Collection method: clinical testing. Allele origin: germline. Affected: yes. Observed: 1 variant allele.
Comment: ROBO1: BP4, BS2

Labcorp Genetics (formerly Invitae), Labcorp
Classification: Likely benign. Last evaluated: 2025-12-03. Review status: criteria provided, single submitter. Criteria: Invitae Variant Classification Sherloc (09022015). Collection method: clinical testing. Allele origin: germline.

NM_002941.4(ROBO1):c.1828G>A (p.Val610Ile)

Gene: ROBO1 (roundabout guidance receptor 1; minus strand). Cytogenetic location: 3p12.3.
Variant type: single nucleotide variant.
Coding change: c.1828G>A on transcript NM_002941.4 (MANE Select); coding-DNA position 1828, G replaced by A.
Protein change: p.Val610Ile; replaces valine 610 with isoleucine.
Molecular consequence: missense variant.
Genome position (GRCh38, 1-based): chr3:78,668,021, C>T on the plus strand (G>A on the coding strand, the complement: ROBO1 is on the minus strand). VCF-style: chr3-78668021-C-T. GRCh37 (hg19) VCF-style: chr3-78717171-C-T.
Other names: c.1720G>A, p.Val574Ile (NM_001145845.2, NM_133631.4); short protein forms V574I, V610I.
Identifiers: ClinVar variation 1546365 (VCV001546365.10), dbSNP rs141178745, ClinGen allele CA2498843.